The following is an entry in ClinVar:

ClinVar aggregate classification (germline): Uncertain significance (1 of 4 stars; one submission).

Conditions:
Hereditary cancer-predisposing syndrome. Also called: Neoplastic Syndromes, Hereditary; Tumor predisposition; Hereditary neoplastic syndrome; Hereditary Cancer Syndrome. Identifiers: Orphanet 140162, MedGen C0027672, MeSH D009386, MONDO:0015356.

Submission:

Ambry Genetics
Classification: Uncertain significance for Hereditary cancer-predisposing syndrome. Last evaluated: 2025-05-13. Review status: criteria provided, single submitter. Criteria: Ambry Variant Classification Scheme 2023. Collection method: clinical testing. Allele origin: germline.
Comment: The p.S147F variant (also known as c.440C>T), located in coding exon 3 of the KIT gene, results from a C to T substitution at nucleotide position 440. The serine at codon 147 is replaced by phenylalanine, an amino acid with highly dissimilar properties. This amino acid position is not well conserved in available vertebrate species. In addition, this alteration is predicted to be tolerated by in silico analysis. Based on the available evidence, the clinical significance of this variant remains unclear.

NM_000222.3(KIT):c.440C>T (p.Ser147Phe)

Gene: KIT (KIT proto-oncogene, receptor tyrosine kinase; plus strand). Cytogenetic location: 4q12.
Variant type: single nucleotide variant.
Coding change: c.440C>T on transcript NM_000222.3 (MANE Select); coding-DNA position 440, C replaced by T.
Protein change: p.Ser147Phe; replaces serine 147 with phenylalanine.
Molecular consequence: missense variant.
Genome position (GRCh38, 1-based): chr4:54,698,386, C>T. VCF-style: chr4-54698386-C-T. GRCh37 (hg19) VCF-style: chr4-55564552-C-T.
Other names: c.440C>T, p.Ser147Phe (NM_001093772.2, NM_001385284.1, NM_001385285.1 and 4 more transcripts); short protein forms S147F.
Identifiers: ClinVar variation 4043764 (VCV004043764.1).